The following is an entry in ClinVar:

ClinVar aggregate classification (germline): Uncertain significance. Review status: criteria provided, multiple submitters, no conflicts (2 of 4 stars). 3 submissions from 3 submitters: Uncertain significance (3). Last evaluated 2026-09-08.

Conditions:
Trichorhinophalangeal dysplasia type I (TRPS1). Also called: TRICHORHINOPHALANGEAL SYNDROME, TYPE I; TRPS I. Identifiers: Orphanet 77258, MedGen C0432233, MONDO:0008596, OMIM 190350.
Trichorhinophalangeal syndrome, type III (TRPS3). Also called: SUGIO-KAJII SYNDROME. Identifiers: Orphanet 77258, MedGen C1860823, OMIM 190351, MONDO:0008597.
Fetal anomalies with a likely genetic cause.

Submissions (3):

Genetics Laboratory, Great Ormond Street Hospital NHS Foundation Trust, North Thames Genomic Laboratory Hub
Classification: Uncertain significance for Fetal anomalies with a likely genetic cause. Last evaluated: 2026-09-08. Review status: criteria provided, single submitter. Criteria: ACGS Best Practice Guidelines for Variant Classification in Rare Disease 2024 v1.2. Collection method: clinical testing. Allele origin: germline. Affected: yes.
Comment: PM2_moderate, PVS1_moderate

GeneDx
Classification: Uncertain significance. Last evaluated: 2022-05-12. Review status: criteria provided, single submitter. Criteria: GeneDx Variant Classification Process June 2021. Collection method: clinical testing. Allele origin: germline. Affected: yes.
Comment: Frameshift variant predicted to result in protein truncation as the last 6 amino acids are replaced with 4 different amino acids, although loss-of-function variants have not been reported downstream of this position in the protein; Has not been previously published as pathogenic or benign to our knowledge

Labcorp Genetics (formerly Invitae), Labcorp
Classification: Uncertain significance for Trichorhinophalangeal syndrome, type III; Trichorhinophalangeal dysplasia type I. Last evaluated: 2019-08-11. Review status: criteria provided, single submitter. Criteria: Invitae Variant Classification Sherloc (09022015). Collection method: clinical testing. Allele origin: germline.
Comment: This variant has not been reported in the literature in individuals with TRPS1-related conditions. This variant is not present in population databases (ExAC no frequency). This sequence change results in a premature translational stop signal in the TRPS1 gene (p.Asn1289Lysfs*5). While this is not anticipated to result in nonsense mediated decay, it is expected to disrupt the last 6 amino acids of the TRPS1 protein. In summary, the available evidence is currently insufficient to determine the role of this variant in disease. Therefore, it has been classified as a Variant of Uncertain Significance. Experimental studies and prediction algorithms are not available for this variant, and the functional significance of the affected amino acid(s) is currently unknown.

NM_014112.5(TRPS1):c.3866dup (p.Asn1289fs)

Gene: TRPS1 (transcriptional repressor GATA binding 1; minus strand). Cytogenetic location: 8q23.3.
Variant type: Duplication.
Coding change: c.3866dup on transcript NM_014112.5 (MANE Select); coding-DNA position 3866, one base duplicated (A; older notation c.3866dupA).
Protein change: p.Asn1289fs; shifts the reading frame from asparagine 1289.
Molecular consequence: frameshift variant.
Genome position (GRCh38, 1-based): chr8:115,414,042, T duplicated on the plus strand (A on the coding strand, the reverse complement: TRPS1 is on the minus strand); the first of 7 consecutive T bases (chr8:115,414,042-115,414,048); duplicating any one gives the same sequence. VCF-style (leftmost placement, unchanged base first): chr8-115414041-A-AT. GRCh37 (hg19) VCF-style: chr8-116426269-A-AT.
Other names: c.3839dup, p.Asn1280fs (NM_001282902.3); c.3845dup, p.Asn1282fs (NM_001282903.3); c.3827dup, p.Asn1276fs (NM_001330599.2); short protein forms N1280fs, N1282fs, N1289fs, N1276fs.
Identifiers: ClinVar variation 835952 (VCV000835952.10), dbSNP rs1401148397, ClinGen allele CA462657866.
Genomic context (GRCh38, chr8:115,414,041, plus strand): 5'-AAGAAAACCTATTTCTATTTAATTGTGCTAAGTGCTAAGGTTTTACTCTTTAGGTTTTCC[A>AT]TTTTTTTCCACTTGTGCATTGTTCCTATGCAGGCCCCTCTGGATATGTGTTGTGAAGTCA-3'